The following is an entry in ClinVar:

ClinVar aggregate classification (germline): Uncertain significance (1 of 4 stars; one submission).

Conditions:
Fanconi anemia (FA). Also called: Fanconi's anemia. Identifiers: Orphanet 84, MedGen C0015625, MeSH D005199, MONDO:0019391.

gnomAD v4.1: 1 of 1,614,008 alleles (0.000062%); highest among the groups gnomAD compares: Non-Finnish European, 0.000085%; no homozygotes.

Submission:

Labcorp Genetics (formerly Invitae), Labcorp
Classification: Uncertain significance for Fanconi anemia. Last evaluated: 2024-11-04. Review status: criteria provided, single submitter. Criteria: Invitae Variant Classification Sherloc (09022015). Collection method: clinical testing. Allele origin: germline.
Comment: This sequence change replaces proline, which is neutral and non-polar, with leucine, which is neutral and non-polar, at codon 356 of the FANCC protein (p.Pro356Leu). This variant is not present in population databases (gnomAD no frequency). This variant has not been reported in the literature in individuals affected with FANCC-related conditions. Invitae Evidence Modeling of protein sequence and biophysical properties (such as structural, functional, and spatial information, amino acid conservation, physicochemical variation, residue mobility, and thermodynamic stability) indicates that this missense variant is expected to disrupt FANCC protein function with a positive predictive value of 80%. In summary, the available evidence is currently insufficient to determine the role of this variant in disease. Therefore, it has been classified as a Variant of Uncertain Significance.

NM_000136.3(FANCC):c.1067C>T (p.Pro356Leu)

Genes: AOPEP (aminopeptidase O (putative); plus strand), FANCC (FA complementation group C; minus strand). Cytogenetic location: 9q22.32.
Variant type: single nucleotide variant.
Coding change: c.1067C>T on transcript NM_000136.3 (MANE Select); coding-DNA position 1067, C replaced by T.
Protein change: p.Pro356Leu; replaces proline 356 with leucine.
Molecular consequence: missense variant.
Genome position (GRCh38, 1-based): chr9:95,117,320, G>A on the plus strand (C>T on the coding strand, the complement: FANCC is on the minus strand). VCF-style: chr9-95117320-G-A. GRCh37 (hg19) VCF-style: chr9-97879602-G-A.
Other names: c.1067C>T, p.Pro356Leu (NM_001243743.2, NM_001243744.2); short protein forms P356L.
Identifiers: ClinVar variation 3665955 (VCV003665955.2).
Genomic context (GRCh38, chr9:95,117,320, plus strand): 5'-ACAATGCTCTTCCCAGGAAATCATTCTGATGTGGGCAAAGTCAACCCTAACTCACCTTGA[G>A]GGTCTTGCAGCAGCACCATGGCAAGAGATGGAGAAGTGTAAGGAAAGTAGGTCTTGAGTG-3'
Protein context (NP_000127.2, residues 346-366): PSLAMVLLQD[Pro356Leu]QDIPRGHWLQ